The following is an entry in ClinVar:

NC_000017.10:g.(?_29528409)_(29533409_?)del

Gene: NF1 (neurofibromin 1; plus strand). Cytogenetic location: 17q11.2.
Variant type: Deletion.
Identifiers: ClinVar variation 3242853 (VCV003242853.1).

ClinVar aggregate classification (germline): Pathogenic (1 of 4 stars; one submission).

Conditions:
Neurofibromatosis, type 1 (NF1). Also called: VON RECKLINGHAUSEN DISEASE; Neurofibromatosis, type I; Peripheral type neurofibromatosis; NEUROFIBROMATOSIS, TYPE I, SOMATIC. Identifiers: Orphanet 636, MedGen C0027831, MONDO:0018975, OMIM 162200. Disease mechanism: loss of function.

Submission:

Labcorp Genetics (formerly Invitae), Labcorp
Classification: Pathogenic for Neurofibromatosis, type 1. Last evaluated: 2023-12-12. Review status: criteria provided, single submitter. Criteria: Invitae Variant Classification Sherloc (09022015). Collection method: clinical testing. Allele origin: unknown.
Comment: This variant is a gross deletion of the genomic region encompassing exon(s) 11-12 of the NF1 gene. This variant would be expected to be in-frame, preserving the integrity of the reading frame. This variant has not been reported in the literature in individuals affected with NF1-related conditions. This variant disrupts a region of the NF1 protein in which other variant(s) (p.Ser413Pro) have been determined to be pathogenic (PMID: 16835897; external communication). This suggests that this is a clinically significant region of the protein, and that variants that disrupt it are likely to be disease-causing. For these reasons, this variant has been classified as Pathogenic.

Literature cited by the submitters: PubMed 16835897.